The following is an entry in ClinVar:

NM_001846.4(COL4A2):c.3856C>T (p.Pro1286Ser)

Gene: COL4A2 (collagen type IV alpha 2 chain; plus strand). Cytogenetic location: 13q34.
Variant type: single nucleotide variant.
Coding change: c.3856C>T on transcript NM_001846.4 (MANE Select); coding-DNA position 3856, C replaced by T.
Protein change: p.Pro1286Ser; replaces proline 1286 with serine.
Molecular consequence: missense variant.
Genome position (GRCh38, 1-based): chr13:110,501,763, C>T. VCF-style: chr13-110501763-C-T. GRCh37 (hg19) VCF-style: chr13-111154110-C-T.
Other names: short protein forms P1286S.
Identifiers: ClinVar variation 311168 (VCV000311168.9), dbSNP rs75571926, ClinGen allele CA7050335.

ClinVar aggregate classification (germline): Benign. Review status: criteria provided, multiple submitters, no conflicts (2 of 4 stars). 2 submissions from 2 submitters: Benign (2). Last evaluated 2025-01-22.

Conditions:
Brain small vessel disease 2A, autosomal dominant. Also called: Porencephaly 2. Identifiers: Orphanet 2940, Orphanet 99810, MedGen C3280970, MONDO:0013773, OMIM 614483.

Allele frequency attached by ClinVar (database versions not stated): gnomAD exomes 0.00006 and 0.00052; gnomAD 0.00008 and 0.00023; TOPMed 0.00008; ExAC 0.00011; 1000 Genomes Project 30x 0.00094; 1000 Genomes Project 0.00120.

Submissions (2):

Labcorp Genetics (formerly Invitae), Labcorp
Classification: Benign. Last evaluated: 2025-01-22. Review status: criteria provided, single submitter. Criteria: Invitae Variant Classification Sherloc (09022015). Collection method: clinical testing. Allele origin: germline.

Illumina Laboratory Services, Illumina
Classification: Benign for Brain small vessel disease 2A, autosomal dominant. Last evaluated: 2018-01-13. Review status: criteria provided, single submitter. Criteria: ICSL Variant Classification Criteria 13 December 2019. Collection method: clinical testing. Allele origin: germline.
Comment: This variant was observed in the ICSL laboratory as part of a predisposition screen in an ostensibly healthy population. It had not been previously curated by ICSL or reported in the Human Gene Mutation Database (HGMD: prior to June 1st, 2018), and was therefore a candidate for classification through an automated scoring system. Utilizing variant allele frequency, disease prevalence and penetrance estimates, and inheritance mode, an automated score was calculated to assess if this variant is too frequent to cause the disease. Based on the score and internal cut-off values, a variant classified as benign is not then subjected to further curation. The score for this variant resulted in a classification of benign for this disease.